The following is an entry in ClinVar:

ClinVar aggregate classification (germline): Benign. Review status: criteria provided, multiple submitters, no conflicts (2 of 4 stars). 7 submissions from 7 submitters: Benign (7). Last evaluated 2026-02-04.

Conditions:
Autosomal recessive osteopetrosis 2. Also called: OSTEOPETROSIS, MILD AUTOSOMAL RECESSIVE FORM. Identifiers: Orphanet 667, MedGen C1850126, MONDO:0009816, OMIM 259710.

Allele frequency attached by ClinVar (database versions not stated): 1000 Genomes Project 30x 0.78404; 1000 Genomes Project 0.78834; TOPMed 0.78840; gnomAD exomes 0.80087 and 0.82137; gnomAD 0.80621 and 0.80647; ExAC 0.81152; ESP Exome Variant Server 0.82485.
gnomAD v4.1: 1,322,791 of 1,613,398 alleles (82%); highest among the groups gnomAD compares: South Asian, 88%; 544,245 homozygotes.

Submissions (7):

Labcorp Genetics (formerly Invitae), Labcorp
Classification: Benign. Last evaluated: 2026-02-04. Review status: criteria provided, single submitter. Criteria: Invitae Variant Classification Sherloc (09022015). Collection method: clinical testing. Allele origin: germline.

Blueprint Genetics
Classification: Benign. Last evaluated: 2024-11-27. Review status: criteria provided, single submitter. Criteria: ACMG Guidelines, 2015. Collection method: clinical testing. Allele origin: germline.

Genome-Nilou Lab
Classification: Benign for Autosomal recessive osteopetrosis 2. Last evaluated: 2021-09-10. Review status: criteria provided, single submitter. Criteria: ACMG Guidelines, 2015. Collection method: clinical testing. Allele origin: germline. Affected: no.

GeneDx
Classification: Benign. Last evaluated: 2018-11-12. Review status: criteria provided, single submitter. Criteria: GeneDx Variant Classification Process June 2021. Collection method: clinical testing. Allele origin: germline. Affected: yes.

Illumina Laboratory Services, Illumina
Classification: Benign for Autosomal recessive osteopetrosis 2. Last evaluated: 2018-01-12. Review status: criteria provided, single submitter. Criteria: ICSL Variant Classification Criteria 13 December 2019. Collection method: clinical testing. Allele origin: germline.
Comment: This variant was observed in the ICSL laboratory as part of a predisposition screen in an ostensibly healthy population. It had not been previously curated by ICSL or reported in the Human Gene Mutation Database (HGMD: prior to June 1st, 2018), and was therefore a candidate for classification through an automated scoring system. Utilizing variant allele frequency, disease prevalence and penetrance estimates, and inheritance mode, an automated score was calculated to assess if this variant is too frequent to cause the disease. Based on the score and internal cut-off values, a variant classified as benign is not then subjected to further curation. The score for this variant resulted in a classification of benign for this disease.

Eurofins Ntd Llc (ga)
Classification: Benign. Last evaluated: 2015-06-08. Review status: criteria provided, single submitter. Criteria: EGL Classification Definitions 2015. Collection method: clinical testing. Allele origin: germline. Observed: 1 variant allele, 1 homozygote.

Breakthrough Genomics
Classification: Benign. Review status: criteria provided, single submitter. Criteria: ACMG Guidelines, 2015. Collection method: not provided. Allele origin: germline. Inheritance: Autosomal recessive inheritance. Affected: yes.

NM_003701.4(TNFSF11):c.387+14G>A

Genes: TNFSF11 (TNF superfamily member 11; plus strand), LOC126861752 (BRD4-independent group 4 enhancer GRCh37_chr13:43155073-43156272; plus strand). Cytogenetic location: 13q14.11.
Variant type: single nucleotide variant.
Coding change: c.387+14G>A on transcript NM_003701.4 (MANE Select); 14 bases into the intron after coding-DNA position 387, G replaced by A.
Molecular consequence: intron variant.
Genome position (GRCh38, 1-based): chr13:42,581,307, G>A. VCF-style: chr13-42581307-G-A. GRCh37 (hg19) VCF-style: chr13-43155443-G-A.
Other names: c.168+14G>A (NM_033012.4).
Identifiers: ClinVar variation 195202 (VCV000195202.28), dbSNP rs2277439, ClinGen allele CA201625.
Genomic context (GRCh38, chr13:42,581,307, plus strand): 5'-ATTCATGTAGGAGAATTAAACAGGCCTTTCAAGGAGCTGTGCAAAAGGTAAGTCCACATC[G>A]AGGCTGATAAGTCAAGGGCCCTTGCTGACTCTACCAATACTGAAAATTAAAACTGGCTAA-3'